The following is an entry in ClinVar:

NM_014989.7(RIMS1):c.4184T>C (p.Ile1395Thr)

Gene: RIMS1 (regulating synaptic membrane exocytosis 1; plus strand). Cytogenetic location: 6q13.
Variant type: single nucleotide variant.
Coding change: c.4184T>C on transcript NM_014989.7 (MANE Select); coding-DNA position 4184, T replaced by C.
Protein change: p.Ile1395Thr; replaces isoleucine 1395 with threonine.
Molecular consequence: missense variant. On other transcripts: intron variant (24).
Genome position (GRCh38, 1-based): chr6:72,333,653, T>C. VCF-style: chr6-72333653-T-C. GRCh37 (hg19) VCF-style: chr6-73043356-T-C.
Other names: c.2144T>C, p.Ile715Thr (NM_001168407.2); c.2105T>C, p.Ile702Thr (NM_001350414.2); c.2201T>C, p.Ile734Thr (NM_001350415.2); c.2150T>C, p.Ile717Thr (NM_001350416.2); c.2123T>C, p.Ile708Thr (NM_001350418.2); c.2258T>C, p.Ile753Thr (NM_001350420.2); c.2003T>C, p.Ile668Thr (NM_001350421.2); c.1892T>C, p.Ile631Thr (NM_001350423.2); and 53 more; short protein forms I1395T, I559T, I584T, I610T, I611T, I612T, I625T, I626T.
Identifiers: ClinVar variation 1051456 (VCV001051456.10), dbSNP rs2154342186, ClinGen allele CA364692747.

ClinVar aggregate classification (germline): Uncertain significance (1 of 4 stars; one submission).

Submission:

Labcorp Genetics (formerly Invitae), Labcorp
Classification: Uncertain significance. Last evaluated: 2024-11-05. Review status: criteria provided, single submitter. Criteria: Invitae Variant Classification Sherloc (09022015). Collection method: clinical testing. Allele origin: germline.
Comment: This sequence change replaces isoleucine, which is neutral and non-polar, with threonine, which is neutral and polar, at codon 1395 of the RIMS1 protein (p.Ile1395Thr). This variant is not present in population databases (gnomAD no frequency). This variant has not been reported in the literature in individuals affected with RIMS1-related conditions. ClinVar contains an entry for this variant (Variation ID: 1051456). An algorithm developed to predict the effect of missense changes on protein structure and function (PolyPhen-2) suggests that this variant is likely to be disruptive. In summary, the available evidence is currently insufficient to determine the role of this variant in disease. Therefore, it has been classified as a Variant of Uncertain Significance.